The following is an entry in ClinVar:

NM_018896.5(CACNA1G):c.1048-5C>G

Gene: CACNA1G (calcium voltage-gated channel subunit alpha1 G; plus strand). Cytogenetic location: 17q21.33.
Variant type: single nucleotide variant.
Coding change: c.1048-5C>G on transcript NM_018896.5 (MANE Select); 5 bases into the intron before coding-DNA position 1048, C replaced by G.
Molecular consequence: intron variant.
Genome position (GRCh38, 1-based): chr17:50,573,016, C>G. VCF-style: chr17-50573016-C-G. GRCh37 (hg19) VCF-style: chr17-48650377-C-G.
Other names: c.1048-5C>G (NM_001256325.2, NM_198377.3, NM_198380.3 and 24 more transcripts).
Identifiers: ClinVar variation 1314466 (VCV001314466.2), dbSNP rs57768644, ClinGen allele CA8652094.

ClinVar aggregate classification (germline): Uncertain significance (1 of 4 stars; one submission).

Allele frequency attached by ClinVar (database versions not stated): gnomAD 0.00002 and 0.00003; gnomAD exomes 0.00002; 1000 Genomes Project 30x 0.00031.
gnomAD v4.1: 52 of 1,577,084 alleles (0.0033%); highest among the groups gnomAD compares: Non-Finnish European, 0.0041%; no homozygotes.

Submission:

GeneDx
Classification: Uncertain significance. Last evaluated: 2021-04-07. Review status: criteria provided, single submitter. Criteria: GeneDx Variant Classification Process June 2021. Collection method: clinical testing. Allele origin: germline. Affected: yes.
Comment: Not observed at a significant frequency in large population cohorts (Lek et al., 2016); Has not been previously published as pathogenic or benign to our knowledge; In-silico analysis, which includes splice predictors and evolutionary conservation, is inconclusive as to whether the variant alters gene splicing. In the absence of RNA/functional studies, the actual effect of this sequence change is unknown.